The following is an entry in ClinVar:

ClinVar aggregate classification (germline): Uncertain significance (1 of 4 stars; one submission).

Conditions:
Catecholaminergic polymorphic ventricular tachycardia 1. Also called: VENTRICULAR TACHYCARDIA, CATECHOLAMINERGIC POLYMORPHIC, 1, WITH OR WITHOUT ATRIAL DYSFUNCTION AND/OR DILATED CARDIOMYOPATHY; RYR2-Related Catecholaminergic Polymorphic Ventricular Tachycardia; VENTRICULAR TACHYCARDIA, STRESS-INDUCED POLYMORPHIC 1. Identifiers: Orphanet 3286, MedGen C1631597, MONDO:0011484, OMIM 604772.

Submission:

Labcorp Genetics (formerly Invitae), Labcorp
Classification: Uncertain significance for Catecholaminergic polymorphic ventricular tachycardia 1. Last evaluated: 2021-01-12. Review status: criteria provided, single submitter. Criteria: Invitae Variant Classification Sherloc (09022015). Collection method: clinical testing. Allele origin: germline.
Comment: In summary, the available evidence is currently insufficient to determine the role of this variant in disease. Therefore, it has been classified as a Variant of Uncertain Significance. This variant has not been reported in the literature in individuals with RYR2-related conditions. This variant is not present in population databases (ExAC no frequency). This sequence change creates a premature translational stop signal (p.Arg3730*) in the RYR2 gene. It is expected to result in an absent or disrupted protein product. However, the current clinical and genetic evidence is not sufficient to establish whether loss-of-function variants in RYR2 cause disease.

NM_001035.3(RYR2):c.11188C>T (p.Arg3730Ter)

Gene: RYR2 (ryanodine receptor 2; plus strand). Cytogenetic location: 1q43.
Variant type: single nucleotide variant.
Coding change: c.11188C>T on transcript NM_001035.3 (MANE Select); coding-DNA position 11188, C replaced by T.
Protein change: p.Arg3730Ter; replaces arginine 3730 with a stop codon.
Molecular consequence: nonsense.
Genome position (GRCh38, 1-based): chr1:237,756,330, C>T. VCF-style: chr1-237756330-C-T. GRCh37 (hg19) VCF-style: chr1-237919630-C-T.
Other names: short protein forms R3730*.
Identifiers: ClinVar variation 1429039 (VCV001429039.7), dbSNP rs2149261911, ClinGen allele CA345425843.